The following is an entry in ClinVar:

ClinVar aggregate classification (germline): Uncertain significance (1 of 4 stars; one submission).

Submission:

GeneDx
Classification: Uncertain significance. Last evaluated: 2024-11-06. Review status: criteria provided, single submitter. Criteria: GeneDx Variant Classification Process June 2021. Collection method: clinical testing. Allele origin: germline. Affected: yes.
Comment: Not observed at significant frequency in large population cohorts (gnomAD); In silico analysis supports that this missense variant has a deleterious effect on protein structure/function; Has not been previously published as pathogenic or benign to our knowledge

NM_001001331.4(ATP2B2):c.488G>A (p.Cys163Tyr)

Gene: ATP2B2 (ATPase plasma membrane Ca2+ transporting 2; minus strand). Cytogenetic location: 3p25.3.
Variant type: single nucleotide variant.
Coding change: c.488G>A on transcript NM_001001331.4 (MANE Select); coding-DNA position 488, G replaced by A.
Protein change: p.Cys163Tyr; replaces cysteine 163 with tyrosine.
Molecular consequence: missense variant.
Genome position (GRCh38, 1-based): chr3:10,402,258, C>T on the plus strand (G>A on the coding strand, the complement: ATP2B2 is on the minus strand). VCF-style: chr3-10402258-C-T. GRCh37 (hg19) VCF-style: chr3-10443942-C-T.
Other names: c.488G>A, p.Cys163Tyr (NM_001330611.3, NM_001353564.1, NM_001363862.1 and 1 more transcripts); short protein forms C163Y.
Identifiers: ClinVar variation 3899089 (VCV003899089.1).